The following is an entry in ClinVar:

NM_013275.6(ANKRD11):c.166A>G (p.Ser56Gly)

Gene: ANKRD11 (ankyrin repeat domain containing 11; minus strand). Cytogenetic location: 16q24.3.
Variant type: single nucleotide variant.
Coding change: c.166A>G on transcript NM_013275.6 (MANE Select); coding-DNA position 166, A replaced by G.
Protein change: p.Ser56Gly; replaces serine 56 with glycine.
Molecular consequence: missense variant. On other transcripts: non-coding transcript variant (1).
Genome position (GRCh38, 1-based): chr16:89,305,266, T>C on the plus strand (A>G on the coding strand, the complement: ANKRD11 is on the minus strand). VCF-style: chr16-89305266-T-C. GRCh37 (hg19) VCF-style: chr16-89371674-T-C.
Other names: c.166A>G, p.Ser56Gly (NM_001256182.2, NM_001256183.2); short protein forms S56G.
Identifiers: ClinVar variation 3366088 (VCV003366088.1).

ClinVar aggregate classification (germline): Uncertain significance (1 of 4 stars; one submission).

gnomAD v4.1: 2 of 1,613,952 alleles (0.00012%); highest among the groups gnomAD compares: Middle Eastern, 0.017%; no homozygotes.

Submission:

GeneDx
Classification: Uncertain significance. Last evaluated: 2023-10-13. Review status: criteria provided, single submitter. Criteria: GeneDx Variant Classification Process June 2021. Collection method: clinical testing. Allele origin: germline. Affected: yes.
Comment: Not observed at significant frequency in large population cohorts (gnomAD); In silico analysis supports that this missense variant has a deleterious effect on protein structure/function; Has not been previously published as pathogenic or benign to our knowledge